The following is an entry in ClinVar:

NM_024596.5(MCPH1):c.477A>T (p.Ser159=)

Gene: MCPH1 (microcephalin 1; plus strand). Cytogenetic location: 8p23.1.
Variant type: single nucleotide variant.
Coding change: c.477A>T on transcript NM_024596.5 (MANE Select); coding-DNA position 477, A replaced by T.
Protein change: p.Ser159=; no amino-acid change (serine 159 retained).
Molecular consequence: synonymous variant. On other transcripts: non-coding transcript variant (1), intron variant (1).
Genome position (GRCh38, 1-based): chr8:6,438,993, A>T. VCF-style: chr8-6438993-A-T. GRCh37 (hg19) VCF-style: chr8-6296514-A-T.
Other names: c.477A>T, p.Ser159= (NM_001172574.2, NM_001322042.2, NM_001363979.1 and 1 more transcripts); c.471A>T, p.Ser157= (NM_001322043.2); c.375A>T, p.Ser125= (NM_001322045.2); c.436+2831A>T (NM_001172575.2); c.477A>T (NM_001322042.1).
Identifiers: ClinVar variation 158870 (VCV000158870.58), dbSNP rs41313948, ClinGen allele CA203331.

ClinVar aggregate classification (germline): Conflicting classifications of pathogenicity. Review status: criteria provided, conflicting classifications (1 of 4 stars). 9 submissions from 9 submitters: Uncertain significance (2); Benign (3); Likely benign (3). 1 of the submissions does not count toward it. Last evaluated 2026-07-01.

Conditions:
MCPH1-related disorder. Also called: MCPH1-related condition.
Microcephaly 1, primary, autosomal recessive (MCPH1). Also called: PREMATURE CHROMOSOME CONDENSATION SYNDROME; PCC SYNDROME; PREMATURE CHROMOSOME CONDENSATION WITH MICROCEPHALY AND MENTAL RETARDATION. Identifiers: Orphanet 2512, MedGen C1855081, MONDO:0009617, OMIM 251200.

Allele frequency attached by ClinVar (database versions not stated): 1000 Genomes Project 0.00180; 1000 Genomes Project 30x 0.00219; ExAC 0.00290; gnomAD exomes 0.00307; gnomAD 0.00328; TOPMed 0.00374; ESP Exome Variant Server 0.00428.
gnomAD v4.1: 6,893 of 1,611,144 alleles (0.43%); highest among the groups gnomAD compares: Non-Finnish European, 0.53%; 14 homozygotes.

Submissions (9):

CeGaT Center for Human Genetics Tuebingen
Classification: Likely benign. Last evaluated: 2026-07-01. Review status: criteria provided, single submitter. Criteria: CeGaT Center For Human Genetics Tuebingen Variant Classification Criteria Version 2. Collection method: clinical testing. Allele origin: germline. Affected: yes. Observed: 16 variant alleles.
Comment: MCPH1: BP4, BP7, BS2

Labcorp Genetics (formerly Invitae), Labcorp
Classification: Benign. Last evaluated: 2026-02-04. Review status: criteria provided, single submitter. Criteria: Invitae Variant Classification Sherloc (09022015). Collection method: clinical testing. Allele origin: germline.

Blueprint Genetics
Classification: Likely benign. Last evaluated: 2024-11-27. Review status: criteria provided, single submitter. Criteria: ACMG Guidelines, 2015. Collection method: clinical testing. Allele origin: germline.

Athena Diagnostics
Classification: Benign. Last evaluated: 2024-09-23. Review status: criteria provided, single submitter. Criteria: Athena Diagnostics Criteria. Collection method: clinical testing. Allele origin: unknown.

Illumina Laboratory Services, Illumina
Classification: Uncertain significance for Microcephaly 1, primary, autosomal recessive. Last evaluated: 2018-01-13. Review status: criteria provided, single submitter. Criteria: ICSL Variant Classification Criteria 13 December 2019. Collection method: clinical testing. Allele origin: germline.

GeneDx
Classification: Benign. Last evaluated: 2015-05-04. Review status: criteria provided, single submitter. Criteria: GeneDx Variant Classification (06012015). Collection method: clinical testing. Allele origin: germline. Affected: yes.
Comment: This variant is considered likely benign or benign based on one or more of the following criteria: it is a conservative change, it occurs at a poorly conserved position in the protein, it is predicted to be benign by multiple in silico algorithms, and/or has population frequency not consistent with disease.

Eurofins Ntd Llc (ga)
Classification: Likely benign. Last evaluated: 2015-04-15. Review status: criteria provided, single submitter. Criteria: EGL Classification Definitions 2015. Collection method: clinical testing. Allele origin: germline. Observed: 1 variant allele, 1 heterozygote.

Genetic Services Laboratory, University of Chicago
Classification: Uncertain significance for Microcephaly 1, primary, autosomal recessive. Last evaluated: 2013-02-15. Review status: criteria provided, single submitter. Criteria: ACMG Guidelines, 2007. Collection method: clinical testing. Allele origin: germline. Inheritance: Autosomal recessive inheritance.

PreventionGenetics, part of Exact Sciences
Classification: Likely benign for MCPH1-related condition. Last evaluated: 2020-04-01. Review status: no assertion criteria provided. Collection method: clinical testing. Allele origin: germline. Not counted in ClinVar's aggregate classification.
Comment: This variant is classified as likely benign based on ACMG/AMP sequence variant interpretation guidelines (Richards et al. 2015 PMID: 25741868, with internal and published modifications).